The following is an entry in ClinVar:

ClinVar aggregate classification (germline): Likely pathogenic. Review status: criteria provided, single submitter (1 of 4 stars). 2 submissions from 2 submitters: Likely pathogenic (1). 1 of the submissions does not count toward it. Last evaluated 2022-11-08.

Conditions:
Dilated cardiomyopathy 1G (CMD1G). Identifiers: Orphanet 154, MedGen C1858763, MONDO:0011400, OMIM 604145.
Autosomal recessive limb-girdle muscular dystrophy type 2J (LGMDR10). Also called: Limb-girdle muscular dystrophy, type 2J; MUSCULAR DYSTROPHY, LIMB-GIRDLE, AUTOSOMAL RECESSIVE 10. Identifiers: Orphanet 140922, MedGen C1837342, MONDO:0012127, OMIM 608807.

Submissions (2):

Labcorp Genetics (formerly Invitae), Labcorp
Classification: Likely pathogenic for Dilated cardiomyopathy 1G; Autosomal recessive limb-girdle muscular dystrophy type 2J. Last evaluated: 2022-11-08. Review status: criteria provided, single submitter. Criteria: Invitae Variant Classification Sherloc (09022015). Collection method: clinical testing. Allele origin: germline.
Comment: This variant is not present in population databases (gnomAD no frequency). This sequence change creates a premature translational stop signal (p.Glu17942*) in the TTN gene. While this is not anticipated to result in nonsense mediated decay, it is expected to create a truncated TTN protein. This premature translational stop signal has been observed in individual(s) with dilated cardiomyopathy (Invitae). ClinVar contains an entry for this variant (Variation ID: 1067712). This variant is located in the A band of TTN (PMID: 25589632). Truncating variants in this region are significantly overrepresented in patients affected with dilated cardiomyopathy (PMID: 25589632). Truncating variants in this region have also been reported in individuals affected with autosomal recessive centronuclear myopathy (PMID: 23975875). In summary, the currently available evidence indicates that the variant is pathogenic, but additional data are needed to prove that conclusively. Therefore, this variant has been classified as Likely Pathogenic.

Cardiogenetics and Myogenetics Molecular and Cellular Functional Unit, Aphp Sorbonne University-Hopital Pitie Salpetriere
Classification: Likely pathogenic for Dilated cardiomyopathy 1G. Last evaluated: 2024-01-06. Review status: no assertion criteria provided. Collection method: clinical testing. Allele origin: germline. Affected: yes. Not counted in ClinVar's aggregate classification.

Literature cited by the submitters: PubMed 25589632 (cited by Labcorp Genetics (formerly Invitae), Labcorp); PubMed 23975875 (cited by Labcorp Genetics (formerly Invitae), Labcorp).

NM_001267550.2(TTN):c.53824G>T (p.Glu17942Ter)

Genes: TTN (titin; minus strand), TTN-AS1 (TTN antisense RNA 1; plus strand). Cytogenetic location: 2q31.2.
Variant type: single nucleotide variant.
Coding change: c.53824G>T on transcript NM_001267550.2 (MANE Select); coding-DNA position 53824, G replaced by T.
Protein change: p.Glu17942Ter; replaces glutamic acid 17942 with a stop codon.
Molecular consequence: nonsense.
Genome position (GRCh38, 1-based): chr2:178,605,471, C>A on the plus strand (G>T on the coding strand, the complement: TTN is on the minus strand). VCF-style: chr2-178605471-C-A. GRCh37 (hg19) VCF-style: chr2-179470198-C-A.
Other names: c.48901G>T, p.Glu16301Ter (NM_001256850.1); c.26629G>T, p.Glu8877Ter (NM_003319.4); c.46120G>T, p.Glu15374Ter (NM_133378.4); c.27004G>T, p.Glu9002Ter (NM_133432.3); c.27205G>T, p.Glu9069Ter (NM_133437.4); short protein forms E15374*, E16301*, E17942*, E8877*, E9002*, E9069*.
Identifiers: ClinVar variation 1067712 (VCV001067712.10), dbSNP rs2054564830, ClinGen allele CA349560468.